The following is an entry in ClinVar:

ClinVar aggregate classification (germline): Benign. Review status: criteria provided, multiple submitters, no conflicts (2 of 4 stars). 2 submissions from 2 submitters: Benign (2). Last evaluated 2018-01-13.

Conditions:
Deficiency of beta-ureidopropionase (UPB1D). Also called: Beta-ureidopropionase deficiency. Identifiers: Orphanet 65287, MedGen C1291512, MONDO:0013164, OMIM 613161.

Allele frequency attached by ClinVar (database versions not stated): gnomAD exomes 0.14037; 1000 Genomes Project 30x 0.15943; 1000 Genomes Project 0.15994; TOPMed 0.16136; gnomAD 0.16200 and 0.16444.
gnomAD v4.1: 25,552 of 155,230 alleles (16%); highest among the groups gnomAD compares: South Asian, 26%; 2,230 homozygotes.

Submissions (2):

Illumina Laboratory Services, Illumina
Classification: Benign for Deficiency of beta-ureidopropionase. Last evaluated: 2018-01-13. Review status: criteria provided, single submitter. Criteria: ICSL Variant Classification Criteria 13 December 2019. Collection method: clinical testing. Allele origin: germline.
Comment: This variant was observed in the ICSL laboratory as part of a predisposition screen in an ostensibly healthy population. It had not been previously curated by ICSL or reported in the Human Gene Mutation Database (HGMD: prior to June 1st, 2018), and was therefore a candidate for classification through an automated scoring system. Utilizing variant allele frequency, disease prevalence and penetrance estimates, and inheritance mode, an automated score was calculated to assess if this variant is too frequent to cause the disease. Based on the score and internal cut-off values, a variant classified as benign is not then subjected to further curation. The score for this variant resulted in a classification of benign for this disease.

Breakthrough Genomics
Classification: Benign. Review status: criteria provided, single submitter. Criteria: ACMG Guidelines, 2015. Collection method: not provided. Allele origin: germline. Inheritance: Autosomal recessive inheritance. Affected: yes.

NM_016327.3(UPB1):c.*690T>G

Gene: UPB1 (beta-ureidopropionase 1; plus strand). Cytogenetic location: 22q11.23.
Variant type: single nucleotide variant.
Coding change: c.*690T>G on transcript NM_016327.3 (MANE Select); 690 bases downstream of the stop codon, T replaced by G.
Molecular consequence: 3 prime UTR variant.
Genome position (GRCh38, 1-based): chr22:24,526,484, T>G. VCF-style: chr22-24526484-T-G. GRCh37 (hg19) VCF-style: chr22-24922452-T-G.
Identifiers: ClinVar variation 340946 (VCV000340946.6), dbSNP rs1314, ClinGen allele CA10653920.